The following is an entry in ClinVar:

ClinVar aggregate classification (germline): Uncertain significance (1 of 4 stars; one submission).

gnomAD v4.1: 1 of 1,613,726 alleles (0.000062%); highest among the groups gnomAD compares: Non-Finnish European, 0.000085%; no homozygotes.

Submission:

Labcorp Genetics (formerly Invitae), Labcorp
Classification: Uncertain significance. Last evaluated: 2024-12-15. Review status: criteria provided, single submitter. Criteria: Invitae Variant Classification Sherloc (09022015). Collection method: clinical testing. Allele origin: germline.
Comment: This sequence change replaces histidine, which is basic and polar, with tyrosine, which is neutral and polar, at codon 3028 of the FAT4 protein (p.His3028Tyr). This variant is not present in population databases (gnomAD no frequency). This variant has not been reported in the literature in individuals affected with FAT4-related conditions. Invitae Evidence Modeling of protein sequence and biophysical properties (such as structural, functional, and spatial information, amino acid conservation, physicochemical variation, residue mobility, and thermodynamic stability) indicates that this missense variant is not expected to disrupt FAT4 protein function with a negative predictive value of 95%. In summary, the available evidence is currently insufficient to determine the role of this variant in disease. Therefore, it has been classified as a Variant of Uncertain Significance.

NM_001291303.3(FAT4):c.9088C>T (p.His3030Tyr)

Gene: FAT4 (FAT atypical cadherin 4; plus strand). Cytogenetic location: 4q28.1.
Variant type: single nucleotide variant.
Coding change: c.9088C>T on transcript NM_001291303.3 (MANE Select); coding-DNA position 9088, C replaced by T.
Protein change: p.His3030Tyr; replaces histidine 3030 with tyrosine.
Molecular consequence: missense variant.
Genome position (GRCh38, 1-based): chr4:125,450,098, C>T. VCF-style: chr4-125450098-C-T. GRCh37 (hg19) VCF-style: chr4-126371253-C-T.
Other names: c.9088C>T, p.His3030Tyr (NM_001291285.3); c.9082C>T, p.His3028Tyr (NM_024582.6); short protein forms H3028Y, H3030Y.
Identifiers: ClinVar variation 3659961 (VCV003659961.2).